The following is an entry in ClinVar:

ClinVar aggregate classification (germline): Likely benign (0 of 4 stars; one submission).

Conditions:
ADCY3-related disorder. Also called: ADCY3-related condition.

gnomAD v4.1: 10 of 1,614,102 alleles (0.00062%); highest among the groups gnomAD compares: African/African-American, 0.0013%; no homozygotes.

Submission:

PreventionGenetics, part of Exact Sciences
Classification: Likely benign for ADCY3-related condition. Last evaluated: 2024-05-08. Review status: no assertion criteria provided. Collection method: clinical testing. Allele origin: germline.
Comment: This variant is classified as likely benign based on ACMG/AMP sequence variant interpretation guidelines (Richards et al. 2015 PMID: 25741868, with internal and published modifications).

NM_004036.5(ADCY3):c.774C>T (p.Ala258=)

Gene: ADCY3 (adenylate cyclase 3; minus strand). Cytogenetic location: 2p23.3.
Variant type: single nucleotide variant.
Coding change: c.774C>T on transcript NM_004036.5 (MANE Select); coding-DNA position 774, C replaced by T.
Protein change: p.Ala258=; no amino-acid change (alanine 258 retained).
Molecular consequence: synonymous variant.
Genome position (GRCh38, 1-based): chr2:24,872,621, G>A on the plus strand (C>T on the coding strand, the complement: ADCY3 is on the minus strand). VCF-style: chr2-24872621-G-A. GRCh37 (hg19) VCF-style: chr2-25095490-G-A.
Other names: c.774C>T, p.Ala258= (NM_001320613.2, NM_001377128.1, NM_001377129.1 and 2 more transcripts); c.51C>T, p.Ala17= (NM_001377131.1).
Identifiers: ClinVar variation 3351099 (VCV003351099.1).